The following is an entry in ClinVar:

NM_001430.5(EPAS1):c.2581G>T (p.Asp861Tyr)

Gene: EPAS1 (endothelial PAS domain protein 1; plus strand). Cytogenetic location: 2p21.
Variant type: single nucleotide variant.
Coding change: c.2581G>T on transcript NM_001430.5 (MANE Select); coding-DNA position 2581, G replaced by T.
Protein change: p.Asp861Tyr; replaces aspartic acid 861 with tyrosine.
Molecular consequence: missense variant.
Genome position (GRCh38, 1-based): chr2:46,384,628, G>T. VCF-style: chr2-46384628-G-T. GRCh37 (hg19) VCF-style: chr2-46611767-G-T.
Other names: short protein forms D861Y.
Identifiers: ClinVar variation 3221643 (VCV003221643.1), dbSNP rs1176986644, ClinGen allele CA346707168.

ClinVar aggregate classification (germline): Uncertain significance (1 of 4 stars; one submission).

Conditions:
Inborn genetic diseases. Identifiers: MedGen C0950123, MeSH D030342.

Allele frequency attached by ClinVar (database versions not stated): gnomAD 0.00001.
gnomAD v4.1: 1 of 1,613,846 alleles (0.000062%); highest among the groups gnomAD compares: East Asian, 0.0022%; no homozygotes.

Submission:

Ambry Genetics
Classification: Uncertain significance for Inborn genetic diseases. Last evaluated: 2023-09-21. Review status: criteria provided, single submitter. Criteria: Ambry Variant Classification Scheme 2023. Collection method: clinical testing. Allele origin: germline.
Comment: The p.D861Y variant (also known as c.2581G>T), located in coding exon 16 of the EPAS1 gene, results from a G to T substitution at nucleotide position 2581. The aspartic acid at codon 861 is replaced by tyrosine, an amino acid with highly dissimilar properties. This amino acid position is conserved. In addition, the in silico prediction for this alteration is inconclusive. Since supporting evidence is limited at this time, the clinical significance of this alteration remains unclear.